The following is an entry in ClinVar:

ClinVar aggregate classification (germline): Uncertain significance (1 of 4 stars; one submission).

Conditions:
Pyridoxine-dependent epilepsy (EPEO4). Also called: PYRIDOXINE DEPENDENCY WITH SEIZURES; Pyridoxine-Dependent Seizures; Pyridoxine-Dependent Epilepsy - ALDH7A1; EPILEPSY, EARLY-ONSET, 4, VITAMIN B6-DEPENDENT. Identifiers: Orphanet 3006, MedGen C1849508, MONDO:0009945, OMIM 266100. Disease mechanism: loss of function.

Allele frequency attached by ClinVar (database versions not stated): gnomAD exomes below 0.00001.
gnomAD v4.1: 4 of 1,611,274 alleles (0.00025%); highest among the groups gnomAD compares: Admixed American, 0.0033%; no homozygotes.

Submission:

Labcorp Genetics (formerly Invitae), Labcorp
Classification: Uncertain significance for Pyridoxine-dependent epilepsy. Last evaluated: 2025-06-02. Review status: criteria provided, single submitter. Criteria: Invitae Variant Classification Sherloc (09022015). Collection method: clinical testing. Allele origin: germline.
Comment: This sequence change replaces valine, which is neutral and non-polar, with isoleucine, which is neutral and non-polar, at codon 401 of the ALDH7A1 protein (p.Val401Ile). This variant is present in population databases (no rsID available, gnomAD 0.003%). This variant has not been reported in the literature in individuals affected with ALDH7A1-related conditions. ClinVar contains an entry for this variant (Variation ID: 1934716). An algorithm developed to predict the effect of missense changes on protein structure and function outputs the following: PolyPhen-2: "Benign". The isoleucine amino acid residue is found in multiple mammalian species, which suggests that this missense change does not adversely affect protein function. In summary, the available evidence is currently insufficient to determine the role of this variant in disease. Therefore, it has been classified as a Variant of Uncertain Significance.

NM_001182.5(ALDH7A1):c.1201G>A (p.Val401Ile)

Gene: ALDH7A1 (aldehyde dehydrogenase 7 family member A1; minus strand). Cytogenetic location: 5q23.2.
Variant type: single nucleotide variant.
Coding change: c.1201G>A on transcript NM_001182.5 (MANE Select); coding-DNA position 1201, G replaced by A.
Protein change: p.Val401Ile; replaces valine 401 with isoleucine.
Molecular consequence: missense variant.
Genome position (GRCh38, 1-based): chr5:126,552,137, C>T on the plus strand (G>A on the coding strand, the complement: ALDH7A1 is on the minus strand). VCF-style: chr5-126552137-C-T. GRCh37 (hg19) VCF-style: chr5-125887829-C-T.
Other names: c.1117G>A, p.Val373Ile (NM_001201377.2); c.1009G>A, p.Val337Ile (NM_001202404.2); short protein forms V373I, V337I, V401I.
Identifiers: ClinVar variation 1934716 (VCV001934716.4), dbSNP rs1038189188, ClinGen allele CA126886709.